The following is an entry in ClinVar:

ClinVar aggregate classification (germline): Benign. Review status: criteria provided, multiple submitters, no conflicts (2 of 4 stars). 2 submissions from 2 submitters: Benign (2). Last evaluated 2021-07-01.

Conditions:
Glycogen storage disease, type VII (GSD7). Also called: PFKM DEFICIENCY; TARUI DISEASE; GSD VII; MUSCLE PHOSPHOFRUCTOKINASE DEFICIENCY. Identifiers: Orphanet 371, MedGen C0017926, MONDO:0009295, OMIM 232800.

Allele frequency attached by ClinVar (database versions not stated): 1000 Genomes Project 30x 0.14397; 1000 Genomes Project 0.14796; TOPMed 0.16562.

Submissions (2):

Pars Genome Lab
Classification: Benign for Glycogen storage disease, type VII. Last evaluated: 2021-07-01. Review status: criteria provided, single submitter. Criteria: ACMG Guidelines, 2015. Collection method: clinical testing. Allele origin: germline. Affected: no.

GeneDx
Classification: Benign. Last evaluated: 2018-06-19. Review status: criteria provided, single submitter. Criteria: GeneDx Variant Classification (06012015). Collection method: clinical testing. Allele origin: germline. Affected: yes.
Comment: This variant is considered likely benign or benign based on one or more of the following criteria: it is a conservative change, it occurs at a poorly conserved position in the protein, it is predicted to be benign by multiple in silico algorithms, and/or has population frequency not consistent with disease.

NM_000289.6(PFKM):c.638+161C>T

Gene: PFKM (phosphofructokinase, muscle; plus strand). Cytogenetic location: 12q13.11.
Variant type: single nucleotide variant.
Coding change: c.638+161C>T on transcript NM_000289.6 (MANE Select); 161 bases into the intron after coding-DNA position 638, C replaced by T.
Molecular consequence: intron variant.
Genome position (GRCh38, 1-based): chr12:48,134,437, C>T. VCF-style: chr12-48134437-C-T. GRCh37 (hg19) VCF-style: chr12-48528220-C-T.
Other names: c.662+161C>T (NM_001354741.2); c.638+161C>T (NM_001354742.2, NM_001354743.2, NM_001354744.2 and 4 more transcripts); c.488+161C>T (NM_001354747.2, NM_001354748.2); c.851+161C>T (NM_001166686.2, NM_001354737.1, NM_001354739.1 and 1 more transcripts); c.947+161C>T (NM_001354736.1, NM_001354735.1); c.782+161C>T (NM_001354740.1); c.551+161C>T (NM_001354745.2).
Identifiers: ClinVar variation 667828 (VCV000667828.3), dbSNP rs2286021, ClinGen allele CA13646624.